The following is an entry in ClinVar:

ClinVar aggregate classification (germline): Uncertain significance (1 of 4 stars; one submission).

Allele frequency attached by ClinVar (database versions not stated): gnomAD exomes below 0.00001; gnomAD 0.00001; TOPMed 0.00002.
gnomAD v4.1: 2 of 1,614,012 alleles (0.00012%); highest among the groups gnomAD compares: African/African-American, 0.0027%; no homozygotes.

Submission:

Labcorp Genetics (formerly Invitae), Labcorp
Classification: Uncertain significance. Last evaluated: 2022-08-19. Review status: criteria provided, single submitter. Criteria: Invitae Variant Classification Sherloc (09022015). Collection method: clinical testing. Allele origin: germline.
Comment: This sequence change replaces threonine, which is neutral and polar, with isoleucine, which is neutral and non-polar, at codon 1118 of the MYO5B protein (p.Thr1118Ile). This variant is present in population databases (no rsID available, gnomAD 0.007%). This variant has not been reported in the literature in individuals affected with MYO5B-related conditions. Algorithms developed to predict the effect of missense changes on protein structure and function are either unavailable or do not agree on the potential impact of this missense change (SIFT: "Deleterious"; PolyPhen-2: "Possibly Damaging"; Align-GVGD: "Class C0"). In summary, the available evidence is currently insufficient to determine the role of this variant in disease. Therefore, it has been classified as a Variant of Uncertain Significance.

NM_001080467.3(MYO5B):c.3353C>T (p.Thr1118Ile)

Gene: MYO5B (myosin VB; minus strand). Cytogenetic location: 18q21.1.
Variant type: single nucleotide variant.
Coding change: c.3353C>T on transcript NM_001080467.3 (MANE Select); coding-DNA position 3353, C replaced by T.
Protein change: p.Thr1118Ile; replaces threonine 1118 with isoleucine.
Molecular consequence: missense variant.
Genome position (GRCh38, 1-based): chr18:49,877,806, G>A on the plus strand (C>T on the coding strand, the complement: MYO5B is on the minus strand). VCF-style: chr18-49877806-G-A. GRCh37 (hg19) VCF-style: chr18-47404176-G-A.
Other names: short protein forms T1118I.
Identifiers: ClinVar variation 1920589 (VCV001920589.5), dbSNP rs947440443, ClinGen allele CA299976598.
Genomic context (GRCh38, chr18:49,877,806, plus strand): 5'-GAGCCTGCATCACTCACCTCCACCTGCTGGAGGGCATCCTCAGTGTCTCCGATCTCAGAT[G>A]TGGAGATGGAGGGGTAATTGGAGTCAGATTCTAAGCTACTTTGGTTTGATGGGTTCCGCC-3'
Protein context (NP_001073936.1, residues 1108-1128): ESDSNYPSIS[Thr1118Ile]SEIGDTEDAL